The following is an entry in ClinVar:

ClinVar aggregate classification (germline): Benign. Review status: criteria provided, multiple submitters, no conflicts (2 of 4 stars). 14 submissions from 14 submitters: Benign (10). 4 of the submissions do not count toward it. Last evaluated 2026-02-04.

Conditions:
Norman-Roberts syndrome (LIS2). Also called: Lissencephaly 2 (Norman-Roberts type). Identifiers: Orphanet 89844, MedGen C0796089, MONDO:0009760, OMIM 257320.
Familial temporal lobe epilepsy 7. Identifiers: Orphanet 101046, MedGen C4225327, MONDO:0014639, OMIM 616436.

Allele frequency attached by ClinVar (database versions not stated): 1000 Genomes Project 30x 0.46424; 1000 Genomes Project 0.46546; gnomAD exomes 0.49226; TOPMed 0.49399; ExAC 0.49602; gnomAD 0.49612 and 0.49658; ESP Exome Variant Server 0.51076.
gnomAD v4.1: 854,005 of 1,601,616 alleles (53%); highest among the groups gnomAD compares: Non-Finnish European, 56%; 230,696 homozygotes.

Submissions (14):

Labcorp Genetics (formerly Invitae), Labcorp
Classification: Benign for Familial temporal lobe epilepsy 7; Norman-Roberts syndrome. Last evaluated: 2026-02-04. Review status: criteria provided, single submitter. Criteria: Invitae Variant Classification Sherloc (09022015). Collection method: clinical testing. Allele origin: germline.

Blueprint Genetics
Classification: Benign. Last evaluated: 2024-11-27. Review status: criteria provided, single submitter. Criteria: ACMG Guidelines, 2015. Collection method: clinical testing. Allele origin: germline.

Genome-Nilou Lab
Classification: Benign for Norman-Roberts syndrome. Last evaluated: 2021-11-07. Review status: criteria provided, single submitter. Criteria: ACMG Guidelines, 2015. Collection method: clinical testing. Allele origin: germline. Affected: no.

Athena Diagnostics
Classification: Benign. Last evaluated: 2018-05-07. Review status: criteria provided, single submitter. Criteria: Athena Diagnostics Criteria. Collection method: clinical testing. Allele origin: germline.

Mayo Clinic Laboratories, Mayo Clinic
Classification: Benign. Last evaluated: 2018-04-02. Review status: criteria provided, single submitter. Criteria: ACMG Guidelines, 2015. Collection method: clinical testing. Allele origin: germline. Observed: 368 variant alleles.

Illumina Laboratory Services, Illumina
Classification: Benign for Norman-Roberts syndrome. Last evaluated: 2018-01-12. Review status: criteria provided, single submitter. Criteria: ICSL Variant Classification Criteria 13 December 2019. Collection method: clinical testing. Allele origin: germline.
Comment: This variant was observed in the ICSL laboratory as part of a predisposition screen in an ostensibly healthy population. It had not been previously curated by ICSL or reported in the Human Gene Mutation Database (HGMD: prior to June 1st, 2018), and was therefore a candidate for classification through an automated scoring system. Utilizing variant allele frequency, disease prevalence and penetrance estimates, and inheritance mode, an automated score was calculated to assess if this variant is too frequent to cause the disease. Based on the score and internal cut-off values, a variant classified as benign is not then subjected to further curation. The score for this variant resulted in a classification of benign for this disease.

GeneDx
Classification: Benign. Last evaluated: 2015-03-03. Review status: criteria provided, single submitter. Criteria: GeneDx Variant Classification Process June 2021. Collection method: clinical testing. Allele origin: germline. Affected: yes.

Eurofins Ntd Llc (ga)
Classification: Benign. Last evaluated: 2012-07-03. Review status: criteria provided, single submitter. Criteria: EGL Classification Definitions 2015. Collection method: clinical testing. Allele origin: germline. Observed: 1 variant allele, 1 heterozygote.

Breakthrough Genomics
Classification: Benign. Review status: criteria provided, single submitter. Criteria: ACMG Guidelines, 2015. Collection method: not provided. Allele origin: germline. Inheritance: Autosomal recessive inheritance. Affected: yes.

PreventionGenetics, part of Exact Sciences
Classification: Benign. Review status: criteria provided, single submitter. Criteria: ACMG Guidelines, 2015. Collection method: clinical testing. Allele origin: germline.

Clinical Genetics DNA and cytogenetics Diagnostics Lab, Erasmus MC, Erasmus Medical Center
Classification: Benign. Review status: no assertion criteria provided. Collection method: clinical testing. Allele origin: germline. Affected: yes. Study: VKGL Data-share Consensus. Not counted in ClinVar's aggregate classification.

Clinical Genetics, Academic Medical Center
Classification: Benign. Review status: no assertion criteria provided. Collection method: clinical testing. Allele origin: germline. Affected: yes. Study: VKGL Data-share Consensus. Not counted in ClinVar's aggregate classification.

Diagnostic Laboratory, Department of Genetics, University Medical Center Groningen
Classification: Benign for Norman-Roberts syndrome. Review status: no assertion criteria provided. Collection method: clinical testing. Allele origin: germline. Affected: yes. Study: VKGL Data-share Consensus. Not counted in ClinVar's aggregate classification.

Genetic Services Laboratory, University of Chicago
Classification: Likely benign for AllHighlyPenetrant. Review status: no assertion criteria provided. Collection method: clinical testing. Allele origin: germline. Inheritance: Autosomal recessive inheritance. Not counted in ClinVar's aggregate classification.
Comment: Likely benign based on allele frequency in 1000 Genomes Project or ESP global frequency and its presence in a patient with a rare or unrelated disease phenotype. NOT Sanger confirmed.

NM_005045.4(RELN):c.578-3T>C

Gene: RELN (reelin; minus strand). Cytogenetic location: 7q22.1.
Variant type: single nucleotide variant.
Coding change: c.578-3T>C on transcript NM_005045.4 (MANE Select); 3 bases into the intron before coding-DNA position 578, T replaced by C.
Molecular consequence: intron variant.
Genome position (GRCh38, 1-based): chr7:103,749,507, A>G on the plus strand (T>C on the coding strand, the complement: RELN is on the minus strand). VCF-style: chr7-103749507-A-G. GRCh37 (hg19) VCF-style: chr7-103389954-A-G.
Other names: p.?; c.578-3T>C (NM_173054.3).
Identifiers: ClinVar variation 95224 (VCV000095224.32), dbSNP rs607755, ClinGen allele CA148345.